The following is an entry in ClinVar:

NM_013975.4(LIG3):c.3008G>A (p.Arg1003Gln)

Gene: LIG3 (DNA ligase 3; plus strand). Cytogenetic location: 17q12.
Variant type: single nucleotide variant.
Coding change: c.3008G>A on transcript NM_013975.4 (MANE Select); coding-DNA position 3008, G replaced by A.
Protein change: p.Arg1003Gln; replaces arginine 1003 with glutamine.
Molecular consequence: missense variant.
Genome position (GRCh38, 1-based): chr17:35,004,484, G>A. VCF-style: chr17-35004484-G-A. GRCh37 (hg19) VCF-style: chr17-33331503-G-A.
Other names: short protein forms R1003Q.
Identifiers: ClinVar variation 496420 (VCV000496420.3), dbSNP rs140462567, ClinGen allele CA8498853.

ClinVar aggregate classification (germline): Conflicting classifications of pathogenicity. Review status: criteria provided, conflicting classifications (1 of 4 stars). 2 submissions from 2 submitters: Uncertain significance (1); Likely benign (1). Last evaluated 2024-02-28.

Conditions:
Inborn genetic diseases. Identifiers: MedGen C0950123, MeSH D030342.

Allele frequency attached by ClinVar (database versions not stated): gnomAD 0.00014 and 0.00016; ESP Exome Variant Server 0.00015; gnomAD exomes 0.00016 and 0.00020; TOPMed 0.00018; ExAC 0.00021.
gnomAD v4.1: 255 of 1,613,834 alleles (0.016%); highest among the groups gnomAD compares: Non-Finnish European, 0.02%; 2 homozygotes.

Submissions (2):

Ambry Genetics
Classification: Uncertain significance for Inborn genetic diseases. Last evaluated: 2024-02-28. Review status: criteria provided, single submitter. Criteria: Ambry Variant Classification Scheme 2023. Collection method: clinical testing. Allele origin: germline.

Women's Health and Genetics/Laboratory Corporation of America, LabCorp
Classification: Likely benign. Last evaluated: 2017-05-08. Review status: criteria provided, single submitter. Criteria: LabCorp Variant Classification Summary - May 2015. Collection method: clinical testing. Allele origin: germline.
Comment: Variant summary: The LIG3 c.3008G>A (p.Arg1003Gln) variant causes a missense change involving the alteration of a conserved nucleotide.. 3/4 in silico tools predict a benign outcome for this variant (SNPsandGO not captured due to low reliability index). This variant was found in 26/121256 control chromosomes at a frequency of 0.0002144, which is approximately 21 times the estimated maximal expected allele frequency of a pathogenic LIG3 variant (0.00001), suggesting this variant is likely a benign polymorphism. The variant of interest has not, to our knowledge, been reported in affected individuals via publications and/or reputable databases/clinical diagnostic laboratories; nor evaluated for functional impact by in vivo/vitro studies. Taken together, this variant is classified as likely benign.